The following is an entry in ClinVar:

ClinVar aggregate classification (germline): Likely benign (0 of 4 stars; one submission).

Conditions:
SDHC-related disorder. Also called: SDHC-related condition.

Submission:

PreventionGenetics, part of Exact Sciences
Classification: Likely benign for SDHC-related condition. Last evaluated: 2024-08-27. Review status: no assertion criteria provided. Collection method: clinical testing. Allele origin: germline.
Comment: This variant is classified as likely benign based on ACMG/AMP sequence variant interpretation guidelines (Richards et al. 2015 PMID: 25741868, with internal and published modifications).

NM_003001.5(SDHC):c.*62G>A

Gene: SDHC (succinate dehydrogenase complex subunit C; plus strand). Cytogenetic location: 1q23.3.
Variant type: single nucleotide variant.
Coding change: c.*62G>A on transcript NM_003001.5 (MANE Select); 62 bases downstream of the stop codon, G replaced by A.
Molecular consequence: 3 prime UTR variant. On other transcripts: synonymous variant (3), non-coding transcript variant (1).
Genome position (GRCh38, 1-based): chr1:161,362,495, G>A. VCF-style: chr1-161362495-G-A. GRCh37 (hg19) VCF-style: chr1-161332285-G-A.
Other names: c.408G>A, p.Leu136= (NM_001035511.3); c.*62G>A (NM_001035512.3, NM_001035513.3, NM_001407115.1 and 5 more transcripts); c.306G>A, p.Leu102= (NM_001278172.3); c.351G>A, p.Leu117= (NM_001407121.1).
Identifiers: ClinVar variation 3356092 (VCV003356092.1).